The following is an entry in ClinVar:

ClinVar aggregate classification (germline): Uncertain significance (1 of 4 stars; one submission).

Conditions:
Neuropathy, hereditary motor and sensory, type 6B (HMSN6B). Also called: HMSN VIB; CHARCOT-MARIE-TOOTH DISEASE, TYPE 6B; NEUROPATHY, HEREDITARY MOTOR AND SENSORY, TYPE VIB, WITH OPTIC ATROPHY; Neuropathy, hereditary motor and sensory, type VIB. Identifiers: MedGen C4225302, MONDO:0014671, OMIM 616505.

Allele frequency attached by ClinVar (database versions not stated): gnomAD exomes below 0.00001.
gnomAD v4.1: 2 of 1,613,676 alleles (0.00012%); highest among the groups gnomAD compares: Admixed American, 0.0017%; no homozygotes.

Submission:

Labcorp Genetics (formerly Invitae), Labcorp
Classification: Uncertain significance for Neuropathy, hereditary motor and sensory, type 6B. Last evaluated: 2021-05-02. Review status: criteria provided, single submitter. Criteria: Invitae Variant Classification Sherloc (09022015). Collection method: clinical testing. Allele origin: germline.
Comment: In summary, the available evidence is currently insufficient to determine the role of this variant in disease. Therefore, it has been classified as a Variant of Uncertain Significance. Algorithms developed to predict the effect of missense changes on protein structure and function (SIFT, PolyPhen-2, Align-GVGD) all suggest that this variant is likely to be tolerated, but these predictions have not been confirmed by published functional studies and their clinical significance is uncertain. This variant has not been reported in the literature in individuals with SLC25A46-related conditions. This variant is not present in population databases (ExAC no frequency). This sequence change replaces methionine with isoleucine at codon 369 of the SLC25A46 protein (p.Met369Ile). The methionine residue is moderately conserved and there is a small physicochemical difference between methionine and isoleucine.

NM_138773.4(SLC25A46):c.1107G>A (p.Met369Ile)

Gene: SLC25A46 (solute carrier family 25 member 46; plus strand). Cytogenetic location: 5q22.1.
Variant type: single nucleotide variant.
Coding change: c.1107G>A on transcript NM_138773.4 (MANE Select); coding-DNA position 1107, G replaced by A.
Protein change: p.Met369Ile; replaces methionine 369 with isoleucine.
Molecular consequence: missense variant. On other transcripts: non-coding transcript variant (1).
Genome position (GRCh38, 1-based): chr5:110,761,632, G>A. VCF-style: chr5-110761632-G-A. GRCh37 (hg19) VCF-style: chr5-110097332-G-A.
Other names: c.864G>A, p.Met288Ile (NM_001303249.3); c.834G>A, p.Met278Ile (NM_001303250.3); short protein forms M288I, M369I, M278I.
Identifiers: ClinVar variation 1378646 (VCV001378646.8), dbSNP rs1019423413, ClinGen allele CA125344939.
Genomic context (GRCh38, chr5:110,761,632, plus strand): 5'-AATTGACAATACAGACCTTGGCTATGAAGTGCTTCCAATTAATACACAATATGAGGGAAT[G>A]AGAGACTGTATCAATACCATAAGGCAGGAGGAAGGAGTGTTTGGTTTTTATAAAGGGTTT-3'
Protein context (NP_620128.1, residues 359-379): VLPINTQYEG[Met369Ile]RDCINTIRQE